The following is an entry in ClinVar:

ClinVar aggregate classification (germline): Uncertain significance (1 of 4 stars; one submission).

gnomAD v4.1: 32 of 1,521,006 alleles (0.0021%); highest among the groups gnomAD compares: South Asian, 0.037%; no homozygotes.

Submission:

Ambry Genetics
Classification: Uncertain significance. Last evaluated: 2024-12-02. Review status: criteria provided, single submitter. Criteria: Ambry Variant Classification Scheme 2023. Collection method: clinical testing. Allele origin: germline.
Comment: The p.A1450D variant (also known as c.4349C>A), located in coding exon 14 of the CDK12 gene, results from a C to A substitution at nucleotide position 4349. The alanine at codon 1450 is replaced by aspartic acid, an amino acid with dissimilar properties. This amino acid position is conserved. In addition, this alteration is predicted to be tolerated by in silico analysis. Based on the available evidence, the clinical significance of this variant remains unclear.

NM_016507.4(CDK12):c.4349C>A (p.Ala1450Asp)

Gene: CDK12 (cyclin dependent kinase 12; plus strand). Cytogenetic location: 17q12.
Variant type: single nucleotide variant.
Coding change: c.4349C>A on transcript NM_016507.4 (MANE Select); coding-DNA position 4349, C replaced by A.
Protein change: p.Ala1450Asp; replaces alanine 1450 with aspartic acid.
Molecular consequence: missense variant.
Genome position (GRCh38, 1-based): chr17:39,531,192, C>A. VCF-style: chr17-39531192-C-A. GRCh37 (hg19) VCF-style: chr17-37687445-C-A.
Other names: c.4322C>A, p.Ala1441Asp (NM_015083.4); short protein forms A1441D, A1450D.
Identifiers: ClinVar variation 3489333 (VCV003489333.1).